The following is an entry in ClinVar:

NC_000003.11:g.(?_10188188)_(10188330_?)dup

Genes: VHL (von Hippel-Lindau tumor suppressor; plus strand), LOC107303340 (3p25 von Hippel-Lindau tumor suppressor, E3 ubiquitin protein ligase Alu-mediated recombination region; plus strand). Cytogenetic location: 3p25.3.
Variant type: Duplication.
Identifiers: ClinVar variation 584137 (VCV000584137.9).

ClinVar aggregate classification (germline): Uncertain significance (1 of 4 stars; one submission).

Conditions:
Von Hippel-Lindau syndrome (VHLS). Also called: Von Hippel-Lindau; VHL syndrome; von Hippel–Lindau syndrome. Identifiers: Orphanet 892, MedGen C0019562, MONDO:0008667, OMIM 193300. Disease mechanism: loss of function.
Chuvash polycythemia. Also called: POLYCYTHEMIA, VHL-DEPENDENT. Identifiers: Orphanet 238557, MedGen C1837915, MONDO:0009892, OMIM 263400.

Submission:

Labcorp Genetics (formerly Invitae), Labcorp
Classification: Uncertain significance for Von Hippel-Lindau syndrome; Chuvash polycythemia. Last evaluated: 2022-06-11. Review status: criteria provided, single submitter. Criteria: Invitae Variant Classification Sherloc (09022015). Collection method: clinical testing. Allele origin: germline.
Comment: This variant results in a copy number gain of the genomic region encompassing exon(s) 2 of the VHL gene. While the exact position of this variant cannot be determined from the data, sub-genic copy number gains are generally in tandem (PMID: 25640679). This variant is predicted to be in-frame, and likely preserves the integrity of the reading frame. This variant has not been reported in the literature in individuals affected with VHL-related conditions. In summary, the available evidence is currently insufficient to determine the role of this variant in disease. Therefore, it has been classified as a Variant of Uncertain Significance.

Literature cited by the submitters: PubMed 25640679.